The following is an entry in ClinVar:

NM_024642.5(GALNT12):c.1087C>T (p.His363Tyr)

Gene: GALNT12 (polypeptide N-acetylgalactosaminyltransferase 12; plus strand). Cytogenetic location: 9q22.33.
Variant type: single nucleotide variant.
Coding change: c.1087C>T on transcript NM_024642.5 (MANE Select); coding-DNA position 1087, C replaced by T.
Protein change: p.His363Tyr; replaces histidine 363 with tyrosine.
Molecular consequence: missense variant.
Genome position (GRCh38, 1-based): chr9:98,837,023, C>T. VCF-style: chr9-98837023-C-T. GRCh37 (hg19) VCF-style: chr9-101599305-C-T.
Other names: short protein forms H363Y.
Identifiers: ClinVar variation 822098 (VCV000822098.9), dbSNP rs369793331, ClinGen allele CA196827517.

ClinVar aggregate classification (germline): Uncertain significance. Review status: criteria provided, multiple submitters, no conflicts (2 of 4 stars). 3 submissions from 3 submitters: Uncertain significance (3). Last evaluated 2025-05-21.

Conditions:
Hereditary cancer-predisposing syndrome. Also called: Hereditary Cancer Syndrome; Neoplastic Syndromes, Hereditary; Tumor predisposition; Hereditary neoplastic syndrome. Identifiers: Orphanet 140162, MedGen C0027672, MeSH D009386, MONDO:0015356.

Allele frequency attached by ClinVar (database versions not stated): gnomAD 0.00001; TOPMed 0.00001; ESP Exome Variant Server 0.00008.
gnomAD v4.1: 1 of 1,614,066 alleles (0.000062%); highest among the groups gnomAD compares: African/African-American, 0.0013%; no homozygotes.

Submissions (3):

Dasa
Classification: Uncertain significance. Last evaluated: 2025-05-21. Review status: criteria provided, single submitter. Criteria: DASA Assertion Criteria. Collection method: clinical testing. Allele origin: germline.
Comment: NM_024642.5(GALNT12):c.1087C>T (p.His363Tyr) is a missense variant that results in the substitution of histidine with tyrosine. This variant is rare in population databases. Computational prediction algorithms are consistent with a deleterious effect. The currently available literature and clinical evidence are not sufficient to establish a definitive association between this variant and the reported condition. Therefore, this variant is classified as a variant of uncertain significance.

Labcorp Genetics (formerly Invitae), Labcorp
Classification: Uncertain significance. Last evaluated: 2024-01-27. Review status: criteria provided, single submitter. Criteria: Invitae Variant Classification Sherloc (09022015). Collection method: clinical testing. Allele origin: germline.
Comment: This sequence change replaces histidine, which is basic and polar, with tyrosine, which is neutral and polar, at codon 363 of the GALNT12 protein (p.His363Tyr). This variant is present in population databases (rs369793331, gnomAD 0.007%). This variant has not been reported in the literature in individuals affected with GALNT12-related conditions. ClinVar contains an entry for this variant (Variation ID: 822098). Advanced modeling of protein sequence and biophysical properties (such as structural, functional, and spatial information, amino acid conservation, physicochemical variation, residue mobility, and thermodynamic stability) has been performed at Invitae for this missense variant, however the output from this modeling did not meet the statistical confidence thresholds required to predict the impact of this variant on GALNT12 protein function. In summary, the available evidence is currently insufficient to determine the role of this variant in disease. Therefore, it has been classified as a Variant of Uncertain Significance.

Ambry Genetics
Classification: Uncertain significance for Hereditary cancer-predisposing syndrome. Last evaluated: 2023-05-18. Review status: criteria provided, single submitter. Criteria: Ambry General Variant Classification Scheme_2022. Collection method: clinical testing. Allele origin: germline.
Comment: The p.H363Y variant (also known as c.1087C>T), located in coding exon 6 of the GALNT12 gene, results from a C to T substitution at nucleotide position 1087. The histidine at codon 363 is replaced by tyrosine, an amino acid with similar properties. This amino acid position is highly conserved in available vertebrate species. In addition, the in silico prediction for this alteration is inconclusive. Since supporting evidence is limited at this time, the clinical significance of this alteration remains unclear.